The following is an entry in ClinVar:

NM_001114753.3(ENG):c.1643_1653delinsCCGCAGCT (p.Ser548_Val551delinsThrAlaAla)

Genes: ENG (endoglin; minus strand), LOC102723566 (uncharacterized LOC102723566; plus strand). Cytogenetic location: 9q34.11.
Variant type: Indel.
Coding change: c.1643_1653delinsCCGCAGCT on transcript NM_001114753.3 (MANE Select); coding-DNA positions 1643 to 1653, GCTGCACGGTA replaced by CCGCAGCT.
Protein change: p.Ser548_Val551delinsThrAlaAla.
Molecular consequence: inframe indel.
Genome position (GRCh38, 1-based): chr9:127,818,153-127,818,163, TACCGTGCAGC replaced by AGCTGCGG on the plus strand (GCTGCACGGTA replaced by CCGCAGCT on the coding strand, the reverse complement: ENG is on the minus strand). VCF-style: chr9-127818153-TACCGTGCAGC-AGCTGCGG. GRCh37 (hg19) VCF-style: chr9-130580432-TACCGTGCAGC-AGCTGCGG.
Other names: c.1643_1653delGCTGCACGGTAinsCCGCAGCT, p.Ser548_Val551delinsThrAlaAla (NM_000118.4); c.1097_1107delinsCCGCAGCT, p.Ser366_Val369delinsThrAlaAla (NM_001278138.2).
Identifiers: ClinVar variation 1777085 (VCV001777085.2), dbSNP rs2539059183, ClinGen allele CA2580079621.

ClinVar aggregate classification (germline): Uncertain significance (1 of 4 stars; one submission).

Conditions:
Cardiovascular phenotype. Identifiers: MedGen CN230736.

Submission:

Ambry Genetics
Classification: Uncertain significance for Cardiovascular phenotype. Last evaluated: 2019-04-04. Review status: criteria provided, single submitter. Criteria: Ambry Variant Classification Scheme 2023. Collection method: clinical testing. Allele origin: germline.
Comment: The c.1643_1653del11insCCGCAGCT variant (also known as p.S548_V551delinsTAA), located in coding exon 12 of the ENG gene, results from an in-frame deletion of GCTGCACGGTA and insertion of CCGCAGCT between nucleotide positions 1643 and 1653. This results in the deletion of serine, cysteine, threonine, and valine residues and the insertion of threonine, and two alanine residues between codons 548 and 551. These amino acid positions are not well conserved in available vertebrate species. In addition, this alteration is predicted to be deleterious by in silico analysis (Choi Y et al., PLoS ONE 2012; 7(10):e46688). Since supporting evidence is limited at this time, the clinical significance of this variant remains unclear.